The following is an entry in ClinVar:

ClinVar aggregate classification (germline): Uncertain significance (1 of 4 stars; one submission).

Submission:

GeneDx
Classification: Uncertain significance. Last evaluated: 2025-07-17. Review status: criteria provided, single submitter. Criteria: GeneDx Variant Classification Process June 2021. Collection method: clinical testing. Allele origin: germline. Affected: yes.
Comment: Not observed at significant frequency in large population cohorts (gnomAD); In silico analysis supports that this missense variant has a deleterious effect on protein structure/function; Has not been previously published as pathogenic or benign to our knowledge

NM_001098.3(ACO2):c.628G>A (p.Gly210Ser)

Gene: ACO2 (aconitase 2; plus strand). Cytogenetic location: 22q13.2.
Variant type: single nucleotide variant.
Coding change: c.628G>A on transcript NM_001098.3 (MANE Select); coding-DNA position 628, G replaced by A.
Protein change: p.Gly210Ser; replaces glycine 210 with serine.
Molecular consequence: missense variant.
Genome position (GRCh38, 1-based): chr22:41,515,479, G>A. VCF-style: chr22-41515479-G-A. GRCh37 (hg19) VCF-style: chr22-41911483-G-A.
Other names: short protein forms G210S.
Identifiers: ClinVar variation 4686466 (VCV004686466.1).